The following is an entry in ClinVar:

ClinVar aggregate classification (germline): Uncertain significance (1 of 4 stars; one submission).

Submission:

Labcorp Genetics (formerly Invitae), Labcorp
Classification: Uncertain significance. Last evaluated: 2025-03-16. Review status: criteria provided, single submitter. Criteria: Invitae Variant Classification Sherloc (09022015). Collection method: clinical testing. Allele origin: germline.
Comment: This sequence change replaces glycine, which is neutral and non-polar, with alanine, which is neutral and non-polar, at codon 229 of the MMP13 protein (p.Gly229Ala). This variant is present in population databases (rs782723542, gnomAD 0.0009%). This variant has not been reported in the literature in individuals affected with MMP13-related conditions. Invitae Evidence Modeling of protein sequence and biophysical properties (such as structural, functional, and spatial information, amino acid conservation, physicochemical variation, residue mobility, and thermodynamic stability) indicates that this missense variant is expected to disrupt MMP13 protein function with a positive predictive value of 80%. In summary, the available evidence is currently insufficient to determine the role of this variant in disease. Therefore, it has been classified as a Variant of Uncertain Significance.

NM_002427.4(MMP13):c.686G>C (p.Gly229Ala)

Gene: MMP13 (matrix metallopeptidase 13; minus strand). Cytogenetic location: 11q22.2.
Variant type: single nucleotide variant.
Coding change: c.686G>C on transcript NM_002427.4 (MANE Select); coding-DNA position 686, G replaced by C.
Protein change: p.Gly229Ala; replaces glycine 229 with alanine.
Molecular consequence: missense variant.
Genome position (GRCh38, 1-based): chr11:102,952,125, C>G on the plus strand (G>C on the coding strand, the complement: MMP13 is on the minus strand). VCF-style: chr11-102952125-C-G. GRCh37 (hg19) VCF-style: chr11-102822854-C-G.
Other names: short protein forms G229A.
Identifiers: ClinVar variation 4746465 (VCV004746465.1).